The following is an entry in ClinVar:

NM_021913.5(AXL):c.1711+9C>T

Gene: AXL (AXL receptor tyrosine kinase; plus strand). Cytogenetic location: 19q13.2.
Variant type: single nucleotide variant.
Coding change: c.1711+9C>T on transcript NM_021913.5 (MANE Select); 9 bases into the intron after coding-DNA position 1711, C replaced by T.
Molecular consequence: intron variant.
Genome position (GRCh38, 1-based): chr19:41,248,829, C>T. VCF-style: chr19-41248829-C-T. GRCh37 (hg19) VCF-style: chr19-41754734-C-T.
Other names: c.1684+9C>T (NM_001699.6); c.907+9C>T (NM_001278599.2).
Identifiers: ClinVar variation 712399 (VCV000712399.12), dbSNP rs200389065, ClinGen allele CA9458418.

ClinVar aggregate classification (germline): Likely benign. Review status: criteria provided, single submitter (1 of 4 stars). 2 submissions from 2 submitters: Likely benign (1). 1 of the submissions does not count toward it. Last evaluated 2025-10-26.

Conditions:
AXL-related disorder. Also called: AXL-related condition.

Allele frequency attached by ClinVar (database versions not stated): gnomAD exomes 0.00030 and 0.00048; 1000 Genomes Project 30x 0.00031; ESP Exome Variant Server 0.00038; 1000 Genomes Project 0.00040; ExAC 0.00044; gnomAD 0.00045 and 0.00046; TOPMed 0.00060.
gnomAD v4.1: 549 of 1,602,580 alleles (0.034%); highest among the groups gnomAD compares: Admixed American, 0.08%; no homozygotes.

Submissions (2):

Labcorp Genetics (formerly Invitae), Labcorp
Classification: Likely benign. Last evaluated: 2025-10-26. Review status: criteria provided, single submitter. Criteria: Invitae Variant Classification Sherloc (09022015). Collection method: clinical testing. Allele origin: germline.

PreventionGenetics, part of Exact Sciences
Classification: Benign for AXL-related condition. Last evaluated: 2019-06-12. Review status: no assertion criteria provided. Collection method: clinical testing. Allele origin: germline. Not counted in ClinVar's aggregate classification.
Comment: This variant is classified as benign based on ACMG/AMP sequence variant interpretation guidelines (Richards et al. 2015 PMID: 25741868, with internal and published modifications).